The following is an entry in ClinVar:

ClinVar aggregate classification (germline): Uncertain significance (1 of 4 stars; one submission).

Submission:

Ambry Genetics
Classification: Uncertain significance. Last evaluated: 2026-05-14. Review status: criteria provided, single submitter. Criteria: Ambry Variant Classification Scheme 2023. Collection method: clinical testing. Allele origin: germline.
Comment: The p.Q953P variant (also known as c.2858A>C), located in coding exon 11 of the WNK2 gene, results from an A to C substitution at nucleotide position 2858. The glutamine at codon 953 is replaced by proline, an amino acid with similar properties. This amino acid position is conserved. In addition, this alteration is predicted to be tolerated by in silico analysis. Based on the available evidence, the clinical significance of this variant remains unclear.

NM_006648.4(WNK2):c.2858A>C (p.Gln953Pro)

Gene: WNK2 (WNK lysine deficient protein kinase 2; plus strand). Cytogenetic location: 9q22.31.
Variant type: single nucleotide variant.
Coding change: c.2858A>C on transcript NM_006648.4 (MANE Select); coding-DNA position 2858, A replaced by C.
Protein change: p.Gln953Pro; replaces glutamine 953 with proline.
Molecular consequence: missense variant.
Genome position (GRCh38, 1-based): chr9:93,259,406, A>C. VCF-style: chr9-93259406-A-C. GRCh37 (hg19) VCF-style: chr9-96021688-A-C.
Other names: c.2858A>C, p.Gln953Pro (NM_001282394.3); short protein forms Q953P.
Identifiers: ClinVar variation 4866667 (VCV004866667.1).
Genomic context (GRCh38, chr9:93,259,406, plus strand): 5'-AGAATATGAGGGCCACCCCTCCACAGCCGGCACTGCCTCCACAACCCACACTGCCCCCAC[A>C]ACCCGTGCTGCCCCCGCAACCCACGCTGCCCCCTCAACCTGTGTTGCCCCCGCAACCCAC-3'
Protein context (NP_006639.3, residues 943-963): ALPPQPTLPP[Gln953Pro]PVLPPQPTLP